The following is an entry in ClinVar:

NM_016030.6(TRAPPC12):c.1771del (p.Leu591fs)

Gene: TRAPPC12 (trafficking protein particle complex subunit 12; plus strand). Cytogenetic location: 2p25.3.
Variant type: Deletion.
Coding change: c.1771del on transcript NM_016030.6 (MANE Select); coding-DNA position 1771, one base deleted (C; older notation c.1771delC).
Protein change: p.Leu591fs; shifts the reading frame from leucine 591.
Molecular consequence: frameshift variant.
Genome position (GRCh38, 1-based): chr2:3,465,690, C deleted; the last of 3 consecutive C bases (chr2:3,465,688-3,465,690); deleting any one gives the same sequence. VCF-style (leftmost placement, unchanged base first): chr2-3465687-TC-T. GRCh37 (hg19) VCF-style: chr2-3469458-TC-T.
Other names: c.1771del, p.Leu591fs (NM_001321102.2); c.1771delC (NM_016030.6); short protein forms L591fs.
Identifiers: ClinVar variation 4850243 (VCV004850243.1).

ClinVar aggregate classification (germline): Likely pathogenic (1 of 4 stars; one submission).

Conditions:
Early-onset progressive encephalopathy-hearing loss-pons hypoplasia-brain atrophy syndrome. Also called: ENCEPHALOPATHY, PROGRESSIVE, EARLY-ONSET, WITH BRAIN ATROPHY AND SPASTICITY. Identifiers: Orphanet 500144, MedGen C5567229, MONDO:0044696, OMIM 617669.

Submission:

First Genomix Gene Laboratory, Genetic Diagnostics Department
Classification: Likely pathogenic for Early-onset progressive encephalopathy-hearing loss-pons hypoplasia-brain atrophy syndrome. Last evaluated: 2025-09-02. Review status: criteria provided, single submitter. Criteria: ACMG Guidelines, 2015. Collection method: clinical testing. Allele origin: germline. Inheritance: Autosomal recessive inheritance. Affected: no. Observed: 1 variant allele.